The following is an entry in ClinVar:

ClinVar aggregate classification (germline): Benign/Likely benign. Review status: criteria provided, multiple submitters, no conflicts (2 of 4 stars). 3 submissions from 3 submitters: Benign (1); Likely benign (1). 1 of the submissions does not count toward it. Last evaluated 2025-09-17.

Conditions:
SQSTM1-related disorder. Also called: SQSTM1-Related Disorders.
Frontotemporal dementia and/or amyotrophic lateral sclerosis 1 (FTDALS1). Also called: C9orf72 Frontotemporal Dementia and/or Amyotrophic Lateral Sclerosis; Frontotemporal dementia with motor neuron disease 1. Identifiers: Orphanet 275872, MedGen C5779877, MONDO:0007105, OMIM 105550.
Paget disease of bone 2, early-onset (PDB2). Also called: Paget disease of bone 2. Identifiers: MedGen C4085251, MONDO:0011183, OMIM 602080.

Allele frequency attached by ClinVar (database versions not stated): gnomAD 0.00004 and 0.00007; TOPMed 0.00010; gnomAD exomes 0.00015; ExAC 0.00016; 1000 Genomes Project 30x 0.00047; 1000 Genomes Project 0.00060.
gnomAD v4.1: 71 of 1,614,072 alleles (0.0044%); highest among the groups gnomAD compares: East Asian, 0.087%; 1 homozygote.

Submissions (3):

Labcorp Genetics (formerly Invitae), Labcorp
Classification: Benign for Paget disease of bone 2, early-onset; Frontotemporal dementia and/or amyotrophic lateral sclerosis 1. Last evaluated: 2025-09-17. Review status: criteria provided, single submitter. Criteria: Invitae Variant Classification Sherloc (09022015). Collection method: clinical testing. Allele origin: germline.

CeGaT Center for Human Genetics Tuebingen
Classification: Likely benign. Last evaluated: 2023-02-01. Review status: criteria provided, single submitter. Criteria: CeGaT Center For Human Genetics Tuebingen Variant Classification Criteria Version 2. Collection method: clinical testing. Allele origin: germline. Affected: yes. Observed: 1 variant allele.
Comment: SQSTM1: BP4, BP7

PreventionGenetics, part of Exact Sciences
Classification: Likely benign for SQSTM1-related condition. Last evaluated: 2020-09-02. Review status: no assertion criteria provided. Collection method: clinical testing. Allele origin: germline. Not counted in ClinVar's aggregate classification.
Comment: This variant is classified as likely benign based on ACMG/AMP sequence variant interpretation guidelines (Richards et al. 2015 PMID: 25741868, with internal and published modifications).

NM_003900.5(SQSTM1):c.1314G>A (p.Pro438=)

Gene: SQSTM1 (sequestosome 1; plus strand). Cytogenetic location: 5q35.3.
Variant type: single nucleotide variant.
Coding change: c.1314G>A on transcript NM_003900.5 (MANE Select); coding-DNA position 1314, G replaced by A.
Protein change: p.Pro438=; no amino-acid change (proline 438 retained).
Molecular consequence: synonymous variant.
Genome position (GRCh38, 1-based): chr5:179,836,584, G>A. VCF-style: chr5-179836584-G-A. GRCh37 (hg19) VCF-style: chr5-179263584-G-A.
Other names: c.1062G>A, p.Pro354= (NM_001142298.2, NM_001142299.2).
Identifiers: ClinVar variation 767165 (VCV000767165.35), dbSNP rs182058393, ClinGen allele CA3600888.